The following is an entry in ClinVar:

NM_005592.4(MUSK):c.920+142C>A

Gene: MUSK (muscle associated receptor tyrosine kinase; plus strand). Cytogenetic location: 9q31.3.
Variant type: single nucleotide variant.
Coding change: c.920+142C>A on transcript NM_005592.4 (MANE Select); 142 bases into the intron after coding-DNA position 920, C replaced by A.
Molecular consequence: intron variant.
Genome position (GRCh38, 1-based): chr9:110,762,350, C>A. VCF-style: chr9-110762350-C-A. GRCh37 (hg19) VCF-style: chr9-113524630-C-A.
Other names: c.950+142C>A (NM_001166280.2); c.920+142C>A (NM_001166281.2); c.-317+142C>A (NM_001369398.1).
Identifiers: ClinVar variation 675470 (VCV000675470.1), dbSNP rs903123754, ClinGen allele CA858608333.
Genomic context (GRCh38, chr9:110,762,350, plus strand): 5'-GTCTTGTGTTGCCCAGGCTGGAGTGCGGTGGAGTATGTTTTGTTTTTGTTATTTGACATG[C>A]CATTTATTGAGTGTTTACTATTTGCTGAGCACTGTAACATTTTAGAAACTTTCTAATTTC-3'

ClinVar aggregate classification (germline): Likely benign (1 of 4 stars; one submission).

Allele frequency attached by ClinVar (database versions not stated): gnomAD exomes 0.00001; TOPMed 0.00001; gnomAD 0.00001.
gnomAD v4.1: 3 of 492,136 alleles (0.00061%); highest among the groups gnomAD compares: African/African-American, 0.002%; no homozygotes.

Submission:

GeneDx
Classification: Likely benign. Last evaluated: 2018-06-19. Review status: criteria provided, single submitter. Criteria: GeneDx Variant Classification (06012015). Collection method: clinical testing. Allele origin: germline. Affected: yes.
Comment: This variant is considered likely benign or benign based on one or more of the following criteria: it is a conservative change, it occurs at a poorly conserved position in the protein, it is predicted to be benign by multiple in silico algorithms, and/or has population frequency not consistent with disease.